The following is an entry in ClinVar:

ClinVar aggregate classification (germline): Pathogenic. Review status: reviewed by expert panel (3 of 4 stars). 2 submissions from 2 submitters: Pathogenic (1). 1 of the submissions does not count toward it. Last evaluated 2016-10-18.

Conditions:
Breast-ovarian cancer, familial, susceptibility to, 2 (BROVCA2). Also called: BRCA2 Hereditary Breast and Ovarian Cancer. Identifiers: Orphanet 145, MedGen C2675520, MONDO:0012933, OMIM 612555. Disease mechanism: loss of function.

Submissions (2):

Evidence-based Network for the Interpretation of Germline Mutant Alleles (ENIGMA)
Classification: Pathogenic for Breast-ovarian cancer, familial, susceptibility to, 2. Last evaluated: 2016-10-18. Review status: reviewed by expert panel. Criteria: ENIGMA BRCA1/2 Classification Criteria (2015). Collection method: curation. Allele origin: germline.
Comment: Variant allele predicted to encode a truncated non-functional protein.

Consortium of Investigators of Modifiers of BRCA1/2 (CIMBA), c/o University of Cambridge
Classification: Pathogenic for Breast-ovarian cancer, familial, susceptibility to, 2. Last evaluated: 2015-10-02. Review status: criteria provided, single submitter. Criteria: CIMBA Mutation Classification guidelines May 2016. Collection method: clinical testing. Allele origin: germline. Not counted in ClinVar's aggregate classification.

NM_000059.4(BRCA2):c.8316_8317dup (p.Ser2773fs)

Gene: BRCA2 (BRCA2 DNA repair associated; plus strand). Cytogenetic location: 13q13.1.
Variant type: Duplication.
Coding change: c.8316_8317dup on transcript NM_000059.4 (MANE Select); coding-DNA positions 8316 to 8317, 2 bases duplicated (AT; older notation c.8316_8317dupAT).
Protein change: p.Ser2773fs; shifts the reading frame from serine 2773.
Molecular consequence: frameshift variant.
Genome position (GRCh38, 1-based): chr13:32,363,518-32,363,519, AT duplicated. VCF-style (leftmost placement, unchanged base first): chr13-32363517-A-AAT. GRCh37 (hg19) VCF-style: chr13-32937654-A-AAT.
Other names: 8545_8546insAT; short protein forms S2773fs.
Identifiers: ClinVar variation 267068 (VCV000267068.5), dbSNP rs886040758, ClinGen allele CA10589481.
Genomic context (GRCh38, chr13:32,363,517, plus strand): 5'-TTCTTCATGGAGCAGAACTGGTGGGCTCTCCTGATGCCTGTACACCTCTTGAAGCCCCAG[A>AAT]ATCTCTTATGTTAAAGGTAAATTAATTTGCACTCTTGGTAAAAATCAGTCATTGATTCAG-3'